The following is an entry in ClinVar:

NM_001370298.3(FGD4):c.1802A>G (p.Lys601Arg)

Gene: FGD4 (FYVE, RhoGEF and PH domain containing 4; plus strand). Cytogenetic location: 12p11.21.
Variant type: single nucleotide variant.
Coding change: c.1802A>G on transcript NM_001370298.3 (MANE Select); coding-DNA position 1802, A replaced by G.
Protein change: p.Lys601Arg; replaces lysine 601 with arginine.
Molecular consequence: missense variant.
Genome position (GRCh38, 1-based): chr12:32,619,750, A>G. VCF-style: chr12-32619750-A-G. GRCh37 (hg19) VCF-style: chr12-32772684-A-G.
Other names: c.1646A>G, p.Lys549Arg (NM_001304481.2); c.647A>G, p.Lys216Arg (NM_001304483.2); c.359A>G, p.Lys120Arg (NM_001304484.2); c.1112A>G, p.Lys371Arg (NM_001330373.2, NM_001330374.2, NM_001384130.1); c.839A>G, p.Lys280Arg (NM_001370297.1); c.1802A>G, p.Lys601Arg (NM_001384126.1); c.1391A>G, p.Lys464Arg (NM_001384127.1, NM_001384128.1, NM_001385118.1 and 1 more transcripts); short protein forms K120R, K216R, K280R, K371R, K464R, K549R, K601R.
Identifiers: ClinVar variation 3373399 (VCV003373399.1).

ClinVar aggregate classification (germline): Uncertain significance (1 of 4 stars; one submission).

gnomAD v4.1: 2 of 1,614,036 alleles (0.00012%); highest among the groups gnomAD compares: African/African-American, 0.0013%; no homozygotes.

Submission:

GeneDx
Classification: Uncertain significance. Last evaluated: 2024-05-01. Review status: criteria provided, single submitter. Criteria: GeneDx Variant Classification Process June 2021. Collection method: clinical testing. Allele origin: germline. Affected: yes.
Comment: Not observed at significant frequency in large population cohorts (gnomAD); In silico analysis indicates that this missense variant does not alter protein structure/function; Has not been previously published as pathogenic or benign to our knowledge; This variant is associated with the following publications: (PMID: 22734899)